The following is an entry in ClinVar:

ClinVar aggregate classification (germline): Pathogenic/Likely pathogenic. Review status: criteria provided, multiple submitters, no conflicts (2 of 4 stars). 3 submissions from 3 submitters: Pathogenic (2); Likely pathogenic (1). Last evaluated 2024-01-16.

Conditions:
Hereditary cancer-predisposing syndrome. Also called: Neoplastic Syndromes, Hereditary; Hereditary Cancer Syndrome; Tumor predisposition; Hereditary neoplastic syndrome. Identifiers: Orphanet 140162, MedGen C0027672, MeSH D009386, MONDO:0015356.
Familial adenomatous polyposis 2. Also called: FAP type 2; COLORECTAL ADENOMATOUS POLYPOSIS, AUTOSOMAL RECESSIVE; MYH-associated polyposis; MUTYH-associated polyposis; Adenomas, multiple colorectal; ADENOMAS, MULTIPLE COLORECTAL, AUTOSOMAL RECESSIVE. Identifiers: Orphanet 220460, Orphanet 247798, MedGen C3272841, MONDO:0012041, OMIM 608456.

Submissions (3):

Labcorp Genetics (formerly Invitae), Labcorp
Classification: Pathogenic for Familial adenomatous polyposis 2. Last evaluated: 2024-01-16. Review status: criteria provided, single submitter. Criteria: Invitae Variant Classification Sherloc (09022015). Collection method: clinical testing. Allele origin: germline.
Comment: This sequence change creates a premature translational stop signal (p.Trp12*) in the MUTYH gene. It is expected to result in an absent or disrupted protein product. Loss-of-function variants in MUTYH are known to be pathogenic (PMID: 18534194, 20663686). This variant is not present in population databases (gnomAD no frequency). This variant has not been reported in the literature in individuals affected with MUTYH-related conditions. ClinVar contains an entry for this variant (Variation ID: 483936). Algorithms developed to predict the effect of sequence changes on RNA splicing suggest that this variant may disrupt the consensus splice site. For these reasons, this variant has been classified as Pathogenic.

Baylor Genetics
Classification: Likely pathogenic for Familial adenomatous polyposis 2. Last evaluated: 2023-10-17. Review status: criteria provided, single submitter. Criteria: ACMG Guidelines, 2015. Collection method: clinical testing. Allele origin: unknown.

Ambry Genetics
Classification: Pathogenic for Hereditary cancer-predisposing syndrome. Last evaluated: 2018-08-30. Review status: criteria provided, single submitter. Criteria: Ambry Variant Classification Scheme 2023. Collection method: clinical testing. Allele origin: germline.
Comment: The p.W12* pathogenic mutation (also known as c.36G>A), located in coding exon 1 of the MUTYH gene, results from a G to A substitution at nucleotide position 36. This changes the amino acid from a tryptophan to a stop codon within coding exon 1. This alteration is expected to result in loss of function by premature protein truncation or nonsense-mediated mRNA decay. As such, this alteration is interpreted as a disease-causing mutation.

Literature cited by the submitters: PubMed 18534194 (cited by Labcorp Genetics (formerly Invitae), Labcorp); PubMed 20663686 (cited by Labcorp Genetics (formerly Invitae), Labcorp).

NM_001128425.2(MUTYH):c.36G>A (p.Trp12Ter)

Genes: MUTYH (mutY DNA glycosylase; minus strand), TOE1 (target of EGR1, exonuclease; plus strand). Cytogenetic location: 1p34.1.
Variant type: single nucleotide variant.
Coding change: c.36G>A on transcript NM_001128425.2 (MANE Plus Clinical); coding-DNA position 36, G replaced by A.
Protein change: p.Trp12Ter; replaces tryptophan 12 with a stop codon.
Molecular consequence: nonsense. On other transcripts: non-coding transcript variant (2), intron variant (1), 5 prime UTR variant (7).
Genome position (GRCh38, 1-based): chr1:45,340,219, C>T on the plus strand (G>A on the coding strand, the complement: MUTYH is on the minus strand). VCF-style: chr1-45340219-C-T. GRCh37 (hg19) VCF-style: chr1-45805891-C-T.
Other names: c.36G>A, p.Trp12Ter (NM_001407073.1, NM_012222.3, NM_001293190.2 and 1 more transcripts); c.-7+4G>A (NM_001407072.1); c.-34C>T (NM_025077.4); c.-7G>A (NM_001048171.2); c.-219G>A (NM_001293192.2); c.-278G>A (NM_001350650.2); c.-214G>A (NM_001350651.2); c.-23G>A (NM_001407070.1, NM_001407071.1); short protein forms W12*.
Identifiers: ClinVar variation 483936 (VCV000483936.12), dbSNP rs767402084, ClinGen allele CA340137829.